The following is an entry in ClinVar:

NM_001159699.2(FHL1):c.623C>G (p.Ser208Cys)

Gene: FHL1 (four and a half LIM domains 1; plus strand). Cytogenetic location: Xq26.3.
Variant type: single nucleotide variant.
Coding change: c.623C>G on transcript NM_001159699.2 (MANE Select); coding-DNA position 623, C replaced by G.
Protein change: p.Ser208Cys; replaces serine 208 with cysteine.
Molecular consequence: missense variant. On other transcripts: non-coding transcript variant (1), intron variant (2).
Genome position (GRCh38, 1-based): chrX:136,208,528, C>G. VCF-style: chrX-136208528-C-G. GRCh37 (hg19) VCF-style: chrX-135290687-C-G.
Other names: c.575C>G, p.Ser192Cys (NM_001159700.2, NM_001159702.3, NM_001159704.1 and 8 more transcripts); c.662C>G, p.Ser221Cys (NM_001159701.2); c.501+567C>G (NM_001159703.2); c.549+567C>G (NM_001330659.2); short protein forms S192C, S208C, S221C.
Identifiers: ClinVar variation 571836 (VCV000571836.11), dbSNP rs1406462908, ClinGen allele CA414608859.
Genomic context (GRCh38, chrX:136,208,528, plus strand): 5'-GAGGAATCACTTACCAGGATCAGCCCTGGCATGCCGATTGCTTTGTGTGTGTTACCTGCT[C>G]TAAGAAGCTGGCTGGGCAGCGTTTCACCGCTGTGGAGGACCAGTATTACTGCGTGGATTG-3'
Protein context (NP_001153171.1, residues 198-218): HADCFVCVTC[Ser208Cys]KKLAGQRFTA

ClinVar aggregate classification (germline): Uncertain significance (1 of 4 stars; one submission).

Conditions:
X-linked myopathy with postural muscle atrophy. Also called: FHL1-Related Emery-Dreifuss Muscular Dystrophy, X-Linked. Identifiers: Orphanet 178461, MedGen C2678055, MONDO:0010401, OMIM 300696.

Allele frequency attached by ClinVar (database versions not stated): TOPMed 0.00002.

Submissions (2):

Labcorp Genetics (formerly Invitae), Labcorp
Classification: Uncertain significance for X-linked myopathy with postural muscle atrophy. Last evaluated: 2025-07-22. Review status: criteria provided, single submitter. Criteria: Invitae Variant Classification Sherloc (09022015). Collection method: clinical testing. Allele origin: germline.
Comment: This sequence change replaces serine, which is neutral and polar, with cysteine, which is neutral and slightly polar, at codon 192 of the FHL1 protein (p.Ser192Cys). This variant is not present in population databases (gnomAD no frequency). This variant has not been reported in the literature in individuals affected with FHL1-related conditions. ClinVar contains an entry for this variant (Variation ID: 571836). An algorithm developed to predict the effect of missense changes on protein structure and function (PolyPhen-2) suggests that this variant is likely to be disruptive. In summary, the available evidence is currently insufficient to determine the role of this variant in disease. Therefore, it has been classified as a Variant of Uncertain Significance.

Dr. Peter K. Rogan Lab, Western University
No classification provided (evidence only). Condition: Thyroid cancer, nonmedullary, 1. Review status: no classification provided. Collection method: in vitro. Allele origin: not applicable. Functional consequence: skipped exon. Not counted in ClinVar's aggregate classification.